The following is an entry in ClinVar:

ClinVar aggregate classification (germline): Benign/Likely benign. Review status: criteria provided, multiple submitters, no conflicts (2 of 4 stars). 10 submissions from 10 submitters: Benign (1); Likely benign (8). 1 of the submissions does not count toward it. Last evaluated 2026-01-31.

Conditions:
BAP1-related disorder. Also called: BAP1-related condition.
BAP1-related tumor predisposition syndrome (TPDS1). Also called: BAP1 tumor predisposition syndrome; Tumor susceptibility linked to germline BAP1 mutations; COMMON Syndrome; TUMOR PREDISPOSITION SYNDROME 1. Identifiers: Orphanet 289539, MedGen C3280492, MONDO:0013692, OMIM 614327.
Hereditary cancer-predisposing syndrome. Also called: Tumor predisposition; Neoplastic Syndromes, Hereditary; Hereditary neoplastic syndrome; Hereditary Cancer Syndrome. Identifiers: Orphanet 140162, MedGen C0027672, MeSH D009386, MONDO:0015356.
Melanoma, uveal, susceptibility to, 2 (UVM2). Also called: Melanoma, uveal 2. Identifiers: Orphanet 39044, MedGen C1847723, MONDO:0011696, OMIM 606661.
Kury-Isidor syndrome (KURIS). Identifiers: MedGen C5676925, MONDO:0859230, OMIM 619762.

Allele frequency attached by ClinVar (database versions not stated): ExAC 0.00005; gnomAD exomes 0.00007; gnomAD 0.00012 and 0.00013; TOPMed 0.00012; 1000 Genomes Project 30x 0.00016; 1000 Genomes Project 0.00020.
gnomAD v4.1: 360 of 1,613,974 alleles (0.022%); highest among the groups gnomAD compares: Non-Finnish European, 0.028%; no homozygotes.

Submissions (10):

Labcorp Genetics (formerly Invitae), Labcorp
Classification: Likely benign for BAP1-related tumor predisposition syndrome. Last evaluated: 2026-01-31. Review status: criteria provided, single submitter. Criteria: Invitae Variant Classification Sherloc (09022015). Collection method: clinical testing. Allele origin: germline.

Mayo Clinic Laboratories, Mayo Clinic
Classification: Likely benign. Last evaluated: 2025-10-08. Review status: criteria provided, single submitter. Criteria: ACMG Guidelines, 2015. Collection method: clinical testing. Allele origin: germline. Observed: 1 variant allele.
Comment: BP4, BP7

Center for Genomic Medicine, Rigshospitalet, Copenhagen University Hospital
Classification: Likely benign. Last evaluated: 2025-03-04. Review status: criteria provided, single submitter. Criteria: ACMG Guidelines, 2015. Collection method: clinical testing. Allele origin: germline.

Myriad Genetics, Inc.
Classification: Benign for BAP1-related tumor predisposition syndrome. Last evaluated: 2024-07-15. Review status: criteria provided, single submitter. Criteria: Myriad Autosomal Dominant, Autosomal Recessive and X-Linked Classification Criteria (2023). Collection method: clinical testing. Allele origin: unknown.
Comment: This variant is considered benign. This variant is a silent/synonymous amino acid change and it is not expected to impact splicing.

Department of Pathology and Laboratory Medicine, Sinai Health System
Classification: Likely benign for Melanoma, uveal, susceptibility to, 2; BAP1-related tumor predisposition syndrome; Kury-Isidor syndrome. Last evaluated: 2023-12-27. Review status: criteria provided, single submitter. Criteria: ACMG Guidelines, 2015. Collection method: clinical testing. Allele origin: germline. Affected: yes.

Sema4
Classification: Likely benign for Hereditary cancer-predisposing syndrome. Last evaluated: 2021-11-02. Review status: criteria provided, single submitter. Criteria: Sema4 Curation Guidelines. Collection method: curation. Allele origin: germline.

GeneDx
Classification: Likely benign. Last evaluated: 2021-08-30. Review status: criteria provided, single submitter. Criteria: GeneDx Variant Classification Process June 2021. Collection method: clinical testing. Allele origin: germline. Affected: yes.

Color Diagnostics, LLC DBA Color Health
Classification: Likely benign for Hereditary cancer-predisposing syndrome. Last evaluated: 2016-06-24. Review status: criteria provided, single submitter. Criteria: ACMG Guidelines, 2015. Collection method: clinical testing. Allele origin: germline.

Ambry Genetics
Classification: Likely benign for Hereditary cancer-predisposing syndrome. Last evaluated: 2015-11-12. Review status: criteria provided, single submitter. Criteria: Ambry Variant Classification Scheme 2023. Collection method: clinical testing. Allele origin: germline.

PreventionGenetics, part of Exact Sciences
Classification: Likely benign for BAP1-related condition. Last evaluated: 2022-03-28. Review status: no assertion criteria provided. Collection method: clinical testing. Allele origin: germline. Not counted in ClinVar's aggregate classification.
Comment: This variant is classified as likely benign based on ACMG/AMP sequence variant interpretation guidelines (Richards et al. 2015 PMID: 25741868, with internal and published modifications).

NM_004656.4(BAP1):c.879G>A (p.Pro293=)

Gene: BAP1 (BRCA1 associated deubiquitinase 1; minus strand). Cytogenetic location: 3p21.1.
Variant type: single nucleotide variant.
Coding change: c.879G>A on transcript NM_004656.4 (MANE Select); coding-DNA position 879, G replaced by A.
Protein change: p.Pro293=; no amino-acid change (proline 293 retained).
Molecular consequence: synonymous variant.
Genome position (GRCh38, 1-based): chr3:52,405,817, C>T on the plus strand (G>A on the coding strand, the complement: BAP1 is on the minus strand). VCF-style: chr3-52405817-C-T. GRCh37 (hg19) VCF-style: chr3-52439833-C-T.
Other names: p.Pro293=; c.879G>A (LRG_529t1).
Identifiers: ClinVar variation 417281 (VCV000417281.33), dbSNP rs200787553, ClinGen allele CA2436978.